The following is an entry in ClinVar:

ClinVar aggregate classification (germline): Uncertain significance. Review status: criteria provided, multiple submitters, no conflicts (2 of 4 stars). 2 submissions from 2 submitters: Uncertain significance (2). Last evaluated 2026-08-08.

Conditions:
Inborn genetic diseases. Identifiers: MedGen C0950123, MeSH D030342.
Fanconi anemia (FA). Also called: Fanconi's anemia. Identifiers: Orphanet 84, MedGen C0015625, MeSH D005199, MONDO:0019391.

Submissions (2):

Ambry Genetics
Classification: Uncertain significance for Inborn genetic diseases. Last evaluated: 2026-08-08. Review status: criteria provided, single submitter. Criteria: Ambry Variant Classification Scheme 2023. Collection method: clinical testing. Allele origin: germline.
Comment: The p.V1147G variant (also known as c.3440T>G), located in coding exon 14 of the FANCM gene, results from a T to G substitution at nucleotide position 3440. The valine at codon 1147 is replaced by glycine, an amino acid with dissimilar properties. This amino acid position is conserved. In addition, this alteration is predicted to be tolerated by in silico analysis. Based on the available evidence, the clinical significance of this variant remains unclear.

Labcorp Genetics (formerly Invitae), Labcorp
Classification: Uncertain significance for Fanconi anemia. Last evaluated: 2022-12-24. Review status: criteria provided, single submitter. Criteria: Invitae Variant Classification Sherloc (09022015). Collection method: clinical testing. Allele origin: germline.
Comment: This variant has not been reported in the literature in individuals affected with FANCM-related conditions. This variant is not present in population databases (gnomAD no frequency). This sequence change replaces valine, which is neutral and non-polar, with glycine, which is neutral and non-polar, at codon 1147 of the FANCM protein (p.Val1147Gly). Algorithms developed to predict the effect of missense changes on protein structure and function (SIFT, PolyPhen-2, Align-GVGD) all suggest that this variant is likely to be tolerated. In summary, the available evidence is currently insufficient to determine the role of this variant in disease. Therefore, it has been classified as a Variant of Uncertain Significance.

NM_020937.4(FANCM):c.3440T>G (p.Val1147Gly)

Gene: FANCM (FA complementation group M; plus strand). Cytogenetic location: 14q21.2.
Variant type: single nucleotide variant.
Coding change: c.3440T>G on transcript NM_020937.4 (MANE Select); coding-DNA position 3440, T replaced by G.
Protein change: p.Val1147Gly; replaces valine 1147 with glycine.
Molecular consequence: missense variant.
Genome position (GRCh38, 1-based): chr14:45,176,194, T>G. VCF-style: chr14-45176194-T-G. GRCh37 (hg19) VCF-style: chr14-45645397-T-G.
Other names: c.3362T>G, p.Val1121Gly (NM_001308133.2); short protein forms V1121G, V1147G.
Identifiers: ClinVar variation 2084537 (VCV002084537.5), dbSNP rs2139248497, ClinGen allele CA389601566.